The following is an entry in ClinVar:

ClinVar aggregate classification (germline): Benign/Likely benign. Review status: criteria provided, multiple submitters, no conflicts (2 of 4 stars). 3 submissions from 3 submitters: Benign (1); Likely benign (2). Last evaluated 2025-03-16.

Conditions:
Hereditary cancer-predisposing syndrome. Also called: Neoplastic Syndromes, Hereditary; Tumor predisposition; Hereditary neoplastic syndrome; Hereditary Cancer Syndrome. Identifiers: Orphanet 140162, MedGen C0027672, MeSH D009386, MONDO:0015356.
Hereditary diffuse gastric adenocarcinoma (HDGC). Also called: DIFFUSE GASTRIC AND LOBULAR BREAST CANCER SYNDROME. Identifiers: Orphanet 26106, MedGen C1708349, MONDO:0007648, OMIM 137215.

Submissions (3):

Labcorp Genetics (formerly Invitae), Labcorp
Classification: Likely benign. Last evaluated: 2025-03-16. Review status: criteria provided, single submitter. Criteria: Invitae Variant Classification Sherloc (09022015). Collection method: clinical testing. Allele origin: germline.

Myriad Genetics, Inc.
Classification: Benign for Hereditary diffuse gastric adenocarcinoma. Last evaluated: 2024-10-15. Review status: criteria provided, single submitter. Criteria: Myriad Autosomal Dominant, Autosomal Recessive and X-Linked Classification Criteria (2023). Collection method: clinical testing. Allele origin: unknown.
Comment: This variant is considered benign. This variant is a silent/synonymous amino acid change and it is not expected to impact splicing.

Ambry Genetics
Classification: Likely benign for Hereditary cancer-predisposing syndrome. Last evaluated: 2019-08-22. Review status: criteria provided, single submitter. Criteria: Ambry Variant Classification Scheme 2023. Collection method: clinical testing. Allele origin: germline.

NM_001903.5(CTNNA1):c.2553C>T (p.Ser851=)

Gene: CTNNA1 (catenin alpha 1; plus strand). Cytogenetic location: 5q31.2.
Variant type: single nucleotide variant.
Coding change: c.2553C>T on transcript NM_001903.5 (MANE Select); coding-DNA position 2553, C replaced by T.
Protein change: p.Ser851=; no amino-acid change (serine 851 retained).
Molecular consequence: synonymous variant. On other transcripts: 3 prime UTR variant (5).
Genome position (GRCh38, 1-based): chr5:138,933,921, C>T. VCF-style: chr5-138933921-C-T. GRCh37 (hg19) VCF-style: chr5-138269610-C-T.
Other names: c.1443C>T, p.Ser481= (NM_001323997.1, NM_001323998.1, NM_001323999.1 and 12 more transcripts); c.1308C>T, p.Ser436= (NM_001324001.1); c.*98C>T (NM_001324002.1, NM_001324003.1, NM_001324004.1 and 2 more transcripts); c.1104C>T, p.Ser368= (NM_001324006.1, NM_001324007.1, NM_001324008.1 and 2 more transcripts); c.1350C>T, p.Ser450= (NM_001324011.1); c.1200C>T, p.Ser400= (NM_001324012.1, NM_001324013.1); c.2244C>T, p.Ser748= (NM_001290309.3); c.2184C>T, p.Ser728= (NM_001290310.3); and 3 more.
Identifiers: ClinVar variation 1792977 (VCV001792977.4), dbSNP rs2150359177, ClinGen allele CA446793226.